The following is an entry in ClinVar:

ClinVar aggregate classification (germline): Uncertain significance (1 of 4 stars; one submission).

Conditions:
Aicardi-Goutieres syndrome 5. Identifiers: Orphanet 51, MedGen C2749659, MONDO:0013059, OMIM 612952.

Allele frequency attached by ClinVar (database versions not stated): gnomAD exomes below 0.00001; TOPMed below 0.00001.
gnomAD v4.1: 1 of 1,613,934 alleles (0.000062%); highest among the groups gnomAD compares: Non-Finnish European, 0.000085%; no homozygotes.

Submission:

Labcorp Genetics (formerly Invitae), Labcorp
Classification: Uncertain significance for Aicardi-Goutieres syndrome 5. Last evaluated: 2022-05-15. Review status: criteria provided, single submitter. Criteria: Invitae Variant Classification Sherloc (09022015). Collection method: clinical testing. Allele origin: germline.
Comment: This sequence change replaces asparagine, which is neutral and polar, with serine, which is neutral and polar, at codon 67 of the SAMHD1 protein (p.Asn67Ser). This variant is not present in population databases (gnomAD no frequency). This variant has not been reported in the literature in individuals affected with SAMHD1-related conditions. Algorithms developed to predict the effect of missense changes on protein structure and function output the following: SIFT: "Tolerated"; PolyPhen-2: "Benign"; Align-GVGD: "Class C0". The serine amino acid residue is found in multiple mammalian species, which suggests that this missense change does not adversely affect protein function. In summary, the available evidence is currently insufficient to determine the role of this variant in disease. Therefore, it has been classified as a Variant of Uncertain Significance.

NM_015474.4(SAMHD1):c.200A>G (p.Asn67Ser)

Gene: SAMHD1 (SAM and HD domain containing deoxynucleoside triphosphate triphosphohydrolase 1; minus strand). Cytogenetic location: 20q11.23.
Variant type: single nucleotide variant.
Coding change: c.200A>G on transcript NM_015474.4 (MANE Select); coding-DNA position 200, A replaced by G.
Protein change: p.Asn67Ser; replaces asparagine 67 with serine.
Molecular consequence: missense variant.
Genome position (GRCh38, 1-based): chr20:36,951,444, T>C on the plus strand (A>G on the coding strand, the complement: SAMHD1 is on the minus strand). VCF-style: chr20-36951444-T-C. GRCh37 (hg19) VCF-style: chr20-35579847-T-C.
Other names: c.200A>G, p.Asn67Ser (NM_001363729.2, NM_001363733.2); short protein forms N67S.
Identifiers: ClinVar variation 1495998 (VCV001495998.5), dbSNP rs2063733948, ClinGen allele CA408831789.